The following is an entry in ClinVar:

ClinVar aggregate classification (germline): Uncertain significance. Review status: criteria provided, multiple submitters, no conflicts (2 of 4 stars). 8 submissions from 8 submitters: Uncertain significance (6). 2 of the submissions do not count toward it. Last evaluated 2026-09-24.

Conditions:
Meckel-Gruber syndrome. Also called: GRUBER SYNDROME; DYSENCEPHALIA SPLANCHNOCYSTICA; Dysencephalia splachnocystica. Identifiers: Orphanet 564, MedGen C0265215, MONDO:0018921.
Joubert syndrome. Also called: JOUBERT-BOLTSHAUSER SYNDROME; Familial aplasia of the vermis. Identifiers: Orphanet 475, MedGen C5979921, MONDO:0018772.
Nephronophthisis. Also called: Juvenile Nephronophthisis. Identifiers: Orphanet 655, MedGen C0687120, MONDO:0019005, HP:0000090.
Retinal dystrophy. Also called: Inherited retinal dystrophy. Identifiers: Orphanet 71862, MedGen C0854723, MeSH D058499, MONDO:0019118, HP:0000556.
Leber congenital amaurosis (LCA). Also called: Leber's amaurosis. Identifiers: Orphanet 65, MedGen C0339527, MeSH D057130, MONDO:0018998.
CEP290-related disorder. Also called: CEP290-related disorders; CEP290-related condition. Identifiers: MedGen CN239314.
Joubert syndrome 5 (JBTS5). Identifiers: Orphanet 2318, MedGen C1857780, MONDO:0012432, OMIM 610188.
Senior-Loken syndrome 6 (SLSN6). Identifiers: Orphanet 3156, MedGen C1857779, MONDO:0012433, OMIM 610189.
Bardet-Biedl syndrome 14 (BBS14). Identifiers: Orphanet 110, MedGen C2673874, MONDO:0014442, OMIM 615991.
Leber congenital amaurosis 10 (LCA10). Identifiers: Orphanet 65, MedGen C1857821, MONDO:0012723, OMIM 611755.
Meckel syndrome, type 4 (MKS4). Also called: MECKEL-GRUBER SYNDROME, TYPE 4. Identifiers: Orphanet 564, MedGen C1970161, MONDO:0012626, OMIM 611134.

Allele frequency attached by ClinVar (database versions not stated): gnomAD exomes 0.00001; ExAC 0.00002; ESP Exome Variant Server 0.00008; TOPMed 0.00008; gnomAD 0.00022.
gnomAD v4.1: 52 of 1,613,876 alleles (0.0032%); highest among the groups gnomAD compares: African/African-American, 0.051%; no homozygotes.

Submissions (8):

PreventionGenetics, part of Exact Sciences
Classification: Uncertain significance for CEP290-related condition. Last evaluated: 2026-09-24. Review status: criteria provided, single submitter. Criteria: ACMG Guidelines, 2015. Collection method: clinical testing. Allele origin: germline.
Comment: The CEP290 c.3787C>A variant is predicted to result in the amino acid substitution p.Leu1263Met. To our knowledge, this variant has not been reported in the literature. This variant is reported in 0.037% of alleles in individuals of African descent in gnomAD. At this time, the clinical significance of this variant is uncertain due to the absence of conclusive functional and genetic evidence.

Labcorp Genetics (formerly Invitae), Labcorp
Classification: Uncertain significance for Joubert syndrome; Meckel-Gruber syndrome; Nephronophthisis. Last evaluated: 2026-02-01. Review status: criteria provided, single submitter. Criteria: Invitae Variant Classification Sherloc (09022015). Collection method: clinical testing. Allele origin: germline.
Comment: This sequence change replaces leucine, which is neutral and non-polar, with methionine, which is neutral and non-polar, at codon 1263 of the CEP290 protein (p.Leu1263Met). This variant is present in population databases (rs370395204, gnomAD 0.03%). This variant has not been reported in the literature in individuals affected with CEP290-related conditions. ClinVar contains an entry for this variant (Variation ID: 530913). Invitae Evidence Modeling of protein sequence and biophysical properties (such as structural, functional, and spatial information, amino acid conservation, physicochemical variation, residue mobility, and thermodynamic stability) indicates that this missense variant is expected to disrupt CEP290 protein function with a positive predictive value of 80%. In summary, the available evidence is currently insufficient to determine the role of this variant in disease. Therefore, it has been classified as a Variant of Uncertain Significance.

Blueprint Genetics
Classification: Uncertain significance. Last evaluated: 2024-07-02. Review status: criteria provided, single submitter. Criteria: ACMG Guidelines, 2015. Collection method: clinical testing. Allele origin: germline.

Fulgent Genetics
Classification: Uncertain significance for Joubert syndrome 5; Senior-Loken syndrome 6; Meckel syndrome, type 4; Leber congenital amaurosis 10; Bardet-Biedl syndrome 14. Last evaluated: 2024-03-07. Review status: criteria provided, single submitter. Criteria: ACMG Guidelines, 2015. Collection method: clinical testing. Allele origin: germline.

GeneDx
Classification: Uncertain significance. Last evaluated: 2019-11-21. Review status: criteria provided, single submitter. Criteria: GeneDx Variant Classification Process June 2021. Collection method: clinical testing. Allele origin: germline. Affected: yes.
Comment: In silico analysis, which includes protein predictors and evolutionary conservation, supports that this variant does not alter protein structure/function; Has not been previously published as pathogenic or benign to our knowledge

Eurofins Ntd Llc (ga)
Classification: Uncertain significance. Last evaluated: 2018-07-03. Review status: criteria provided, single submitter. Criteria: EGL ClinVar v180209 classification definitions. Collection method: clinical testing. Allele origin: germline. Observed: 1 variant allele, 1 heterozygote.

Institute of Human Genetics, Univ. Regensburg, Univ. Regensburg
Classification: Uncertain significance for Retinal dystrophy. Last evaluated: 2022-01-01. Review status: no assertion criteria provided. Criteria: ACMG Guidelines, 2015. Collection method: clinical testing. Allele origin: germline. Affected: yes. Not counted in ClinVar's aggregate classification.

Natera, Inc.
Classification: Uncertain significance for Leber congenital amaurosis. Last evaluated: 2020-04-17. Review status: no assertion criteria provided. Collection method: clinical testing. Allele origin: germline. Not counted in ClinVar's aggregate classification.

NM_025114.4(CEP290):c.3787C>A (p.Leu1263Met)

Gene: CEP290 (centrosomal protein 290; minus strand). Cytogenetic location: 12q21.32.
Variant type: single nucleotide variant.
Coding change: c.3787C>A on transcript NM_025114.4 (MANE Select); coding-DNA position 3787, C replaced by A.
Protein change: p.Leu1263Met; replaces leucine 1263 with methionine.
Molecular consequence: missense variant.
Genome position (GRCh38, 1-based): chr12:88,089,274, G>T on the plus strand (C>A on the coding strand, the complement: CEP290 is on the minus strand). VCF-style: chr12-88089274-G-T. GRCh37 (hg19) VCF-style: chr12-88483051-G-T.
Other names: short protein forms L1263M.
Identifiers: ClinVar variation 530913 (VCV000530913.19), dbSNP rs370395204, ClinGen allele CA6712085.